The following is an entry in ClinVar:

ClinVar aggregate classification (germline): Pathogenic (1 of 4 stars; one submission).

Conditions:
Charcot-Marie-Tooth disease type 4. Also called: Charcot-Marie-Tooth disease, type IV; Charcot-Marie-Tooth, Type 4. Identifiers: Orphanet 64749, MedGen C4082197, MONDO:0018995.

Allele frequency attached by ClinVar (database versions not stated): gnomAD exomes below 0.00001.

Submission:

Labcorp Genetics (formerly Invitae), Labcorp
Classification: Pathogenic for Charcot-Marie-Tooth disease type 4. Last evaluated: 2023-04-28. Review status: criteria provided, single submitter. Criteria: Invitae Variant Classification Sherloc (09022015). Collection method: clinical testing. Allele origin: germline.
Comment: This sequence change creates a premature translational stop signal (p.Lys379Argfs*12) in the FIG4 gene. It is expected to result in an absent or disrupted protein product. Loss-of-function variants in FIG4 are known to be pathogenic (PMID: 23623387, 30740813). This variant is not present in population databases (gnomAD no frequency). For these reasons, this variant has been classified as Pathogenic. This variant has not been reported in the literature in individuals affected with FIG4-related conditions.

Literature cited by the submitters: PubMed 23623387; PubMed 30740813.

NM_014845.6(FIG4):c.1134del (p.Lys379fs)

Gene: FIG4 (FIG4 phosphoinositide 5-phosphatase; plus strand). Cytogenetic location: 6q21.
Variant type: Deletion.
Coding change: c.1134del on transcript NM_014845.6 (MANE Select); coding-DNA position 1134, one base deleted (G; older notation c.1134delG).
Protein change: p.Lys379fs; shifts the reading frame from lysine 379.
Molecular consequence: frameshift variant.
Genome position (GRCh38, 1-based): chr6:109,743,769, G deleted. VCF-style (leftmost placement, unchanged base first): chr6-109743768-TG-T. GRCh37 (hg19) VCF-style: chr6-110064971-TG-T.
Other names: short protein forms K379fs.
Identifiers: ClinVar variation 2860155 (VCV002860155.3), dbSNP rs2486137868, ClinGen allele CA2679970028.